The following is an entry in ClinVar:

ClinVar aggregate classification (germline): Uncertain significance (0 of 4 stars; one submission).

Conditions:
GRIP1-related disorder. Also called: GRIP1-related condition.

gnomAD v4.1: 5 of 1,613,832 alleles (0.00031%); highest among the groups gnomAD compares: South Asian, 0.0022%; no homozygotes.

Submission:

PreventionGenetics, part of Exact Sciences
Classification: Uncertain significance for GRIP1-related condition. Last evaluated: 2024-06-13. Review status: no assertion criteria provided. Collection method: clinical testing. Allele origin: germline.
Comment: The GRIP1 c.1732C>T variant is predicted to result in the amino acid substitution p.Arg578Trp. To our knowledge, this variant has not been reported in the literature. This variant is reported in 0.0033% of alleles in individuals of South Asian descent in gnomAD. At this time, the clinical significance of this variant is uncertain due to the absence of conclusive functional and genetic evidence.

NM_001366722.1(GRIP1):c.1888C>T (p.Arg630Trp)

Gene: GRIP1 (glutamate receptor interacting protein 1; minus strand). Cytogenetic location: 12q14.3.
Variant type: single nucleotide variant.
Coding change: c.1888C>T on transcript NM_001366722.1 (MANE Select); coding-DNA position 1888, C replaced by T.
Protein change: p.Arg630Trp; replaces arginine 630 with tryptophan.
Molecular consequence: missense variant.
Genome position (GRCh38, 1-based): chr12:66,406,379, G>A on the plus strand (C>T on the coding strand, the complement: GRIP1 is on the minus strand). VCF-style: chr12-66406379-G-A. GRCh37 (hg19) VCF-style: chr12-66800159-G-A.
Other names: c.1732C>T, p.Arg578Trp (NM_001178074.2, NM_001379351.1, NM_021150.4); c.1807C>T, p.Arg603Trp (NM_001366723.1, NM_001379348.1); c.1810C>T, p.Arg604Trp (NM_001366724.1, NM_001379347.1); c.1966C>T, p.Arg656Trp (NM_001379345.1); c.1888C>T, p.Arg630Trp (NM_001379346.1); c.1735C>T, p.Arg579Trp (NM_001379349.1); short protein forms R578W, R579W, R603W, R604W, R630W, R656W.
Identifiers: ClinVar variation 3355809 (VCV003355809.1).